The following is an entry in ClinVar:

NM_018117.12(WDR11):c.8C>G (p.Pro3Arg)

Gene: WDR11 (WD repeat domain 11; plus strand). Cytogenetic location: 10q26.12.
Variant type: single nucleotide variant.
Coding change: c.8C>G on transcript NM_018117.12 (MANE Select); coding-DNA position 8, C replaced by G.
Protein change: p.Pro3Arg; replaces proline 3 with arginine.
Molecular consequence: missense variant.
Genome position (GRCh38, 1-based): chr10:120,851,428, C>G. VCF-style: chr10-120851428-C-G. GRCh37 (hg19) VCF-style: chr10-122610940-C-G.
Other names: short protein forms P3R.
Identifiers: ClinVar variation 2071194 (VCV002071194.4), dbSNP rs2493226251, ClinGen allele CA378313949.

ClinVar aggregate classification (germline): Uncertain significance (1 of 4 stars; one submission).

Allele frequency attached by ClinVar (database versions not stated): gnomAD exomes 0.00001.
gnomAD v4.1: 4 of 1,611,284 alleles (0.00025%); highest among the groups gnomAD compares: Admixed American, 0.0017%; no homozygotes.

Submission:

Labcorp Genetics (formerly Invitae), Labcorp
Classification: Uncertain significance. Last evaluated: 2022-09-20. Review status: criteria provided, single submitter. Criteria: Invitae Variant Classification Sherloc (09022015). Collection method: clinical testing. Allele origin: germline.
Comment: This variant is not present in population databases (gnomAD no frequency). This sequence change replaces proline, which is neutral and non-polar, with arginine, which is basic and polar, at codon 3 of the WDR11 protein (p.Pro3Arg). This variant has not been reported in the literature in individuals affected with WDR11-related conditions. Algorithms developed to predict the effect of missense changes on protein structure and function are either unavailable or do not agree on the potential impact of this missense change (SIFT: "Deleterious"; PolyPhen-2: "Benign"; Align-GVGD: "Class C0"). In summary, the available evidence is currently insufficient to determine the role of this variant in disease. Therefore, it has been classified as a Variant of Uncertain Significance.